The following is an entry in ClinVar:

ClinVar aggregate classification (germline): Uncertain significance (0 of 4 stars; one submission).

Conditions:
UNC13A-related disorder. Also called: UNC13A-related condition.

Allele frequency attached by ClinVar (database versions not stated): gnomAD 0.00002; TOPMed 0.00002; ExAC 0.00003; gnomAD exomes 0.00014; 1000 Genomes Project 30x 0.00031.
gnomAD v4.1: 193 of 1,612,480 alleles (0.012%); highest among the groups gnomAD compares: Non-Finnish European, 0.016%; no homozygotes.

Submission:

PreventionGenetics, part of Exact Sciences
Classification: Uncertain significance for UNC13A-related condition. Last evaluated: 2024-01-04. Review status: no assertion criteria provided. Collection method: clinical testing. Allele origin: germline.
Comment: The UNC13A c.3707T>C variant is predicted to result in the amino acid substitution p.Ile1236Thr. To our knowledge, this variant has not been reported in the literature. This variant is reported in 0.0062% of alleles in individuals of European (Non-Finnish) descent in gnomAD. At this time, the clinical significance of this variant is uncertain due to the absence of conclusive functional and genetic evidence.

NM_001080421.3(UNC13A):c.3707T>C (p.Ile1236Thr)

Gene: UNC13A (unc-13 homolog A; minus strand). Cytogenetic location: 19p13.11.
Variant type: single nucleotide variant.
Coding change: c.3707T>C on transcript NM_001080421.3 (MANE Select); coding-DNA position 3707, T replaced by C.
Protein change: p.Ile1236Thr; replaces isoleucine 1236 with threonine.
Molecular consequence: missense variant.
Genome position (GRCh38, 1-based): chr19:17,629,286, A>G on the plus strand (T>C on the coding strand, the complement: UNC13A is on the minus strand). VCF-style: chr19-17629286-A-G. GRCh37 (hg19) VCF-style: chr19-17740095-A-G.
Other names: c.3701T>C, p.Ile1234Thr (NM_001387021.1, NM_001387022.1, NM_001387023.1); short protein forms I1234T, I1236T.
Identifiers: ClinVar variation 3059456 (VCV003059456.2), dbSNP rs780938224, ClinGen allele CA9297931.